The following is an entry in ClinVar:

ClinVar aggregate classification (germline): Conflicting classifications of pathogenicity. Review status: criteria provided, conflicting classifications (1 of 4 stars). 3 submissions from 3 submitters: Likely pathogenic (1); Uncertain significance (1). 1 of the submissions does not count toward it. Last evaluated 2023-06-14.

Conditions:
Marbach-Rustad progeroid syndrome. Identifiers: Orphanet 659873, MedGen C5543388, MONDO:0859147, OMIM 619322.
Deviated nasal septum. Identifiers: MedGen C0549397, HP:0004411.
Progeroid facial appearance. Identifiers: MedGen C1857710, HP:0005328.
Multiple unerupted teeth. Identifiers: MedGen C4025069, HP:0006283.
Thin skin. Identifiers: MedGen C0423757, HP:0000963.
Prominent superficial veins. Identifiers: MedGen C1837785, HP:0001015.
Intention tremor. Identifiers: MedGen C4551520, HP:0002080.
Narrow mouth. Identifiers: MedGen C0026034, HP:0000160.
Proptosis. Also called: Exophthalmos. Identifiers: MedGen C0015300, MONDO:0004770, HP:0000520.
Growth delay. Also called: Growth retardation. Identifiers: MedGen C0456070, HP:0001510.
Lipoatrophy. Identifiers: MedGen C1280433, HP:0100578.
Short clavicles. Identifiers: MedGen C0426799, HP:0000894.
Triangular face. Identifiers: MedGen C1835884, HP:0000325.
Short stature. Identifiers: MedGen C0349588, HP:0004322.
Micrognathia. Also called: Mandibular hypoplasia. Identifiers: MedGen C0025990, HP:0000347.
Dental crowding. Identifiers: MedGen C0040433, HP:0000678.
Teeth, supernumerary. Also called: Increased number of teeth; Supernumerary tooth. Identifiers: MedGen C0040457, MONDO:0008533, OMIM 187100, HP:0011069.
Abnormal nasal dorsum morphology. Identifiers: MedGen C4021202, HP:0011119.
Reduced bone mineral density. Identifiers: MedGen C2674432, HP:0004349.
Microcephaly. Also called: Microcephaly (disease). Identifiers: MedGen C4551563, MONDO:0001149, HP:0000252.

Submissions (3):

GeneDx
Classification: Uncertain significance. Last evaluated: 2023-06-14. Review status: criteria provided, single submitter. Criteria: GeneDx Variant Classification Process June 2021. Collection method: clinical testing. Allele origin: germline. Affected: yes.
Comment: Not observed at significant frequency in large population cohorts (gnomAD); In silico analysis supports that this missense variant has a deleterious effect on protein structure/function; De novo variant with confirmed parentage in a patient in the published literature (Marbach et al., 2019), in a gene with autosomal recessive inheritance although autosomal dominant inheritance has also been suggested; This variant is associated with the following publications: (PMID: 30905398)

Institute for Genomic Statistics and Bioinformatics, University Hospital Bonn
Classification: Likely pathogenic for Progeroid facial appearance; Proptosis; Micrognathia; Narrow mouth; Triangular face; Multiple unerupted teeth; Dental crowding; Abnormal nasal dorsum morphology; Deviated nasal septum; Thin skin; Prominent superficial veins; Lipoatrophy; Microcephaly; Short stature; Reduced bone mineral density; Short clavicles; Growth delay; Teeth, supernumerary; Intention tremor. Last evaluated: 2019-03-21. Review status: criteria provided, single submitter. Criteria: ACMG Guidelines, 2015. Collection method: clinical testing. Allele origin: de novo. Inheritance: Autosomal dominant inheritance. Affected: yes. Observed: 2 variant alleles, 2 heterozygotes.
Comment: Two individuals with a hitherto unknown genetic disorder caused by the same de novo mutation in LEMD2 (c.1436C>T;p.Ser479Phe). Despite different ages and ethnic backgrounds, both individualsshare a progeria-like facial phenotype and a distinct combination of physical and neurologic anomalies, such as growth retardation;hypoplastic jaws crowded with multiple supernumerary, yet unerupted, teeth; and cerebellar intention tremor. Immunofluorescence an-alyses of patient fibroblasts revealed mutation-induced disturbance of nuclear architecture, recapitulating previously published data inLEMD2-deficient cell lines, and additional experiments suggested mislocalization of mutant LEMD2 protein within the nuclear lamina.Computational analysis of facial features with two different deep neural networks showed phenotypic proximity to other nuclear en-velopathies. One of the algorithms, when trained to recognize syndromic similarity (rather than specific syndromes) in an unsupervisedapproach, clustered both individuals closely together, providing hypothesis-free hints for a common genetic etiology. PMID 30905398

OMIM
Classification: Pathogenic for MARBACH-RUSTAD PROGEROID SYNDROME. Last evaluated: 2021-05-12. Review status: no assertion criteria provided. Collection method: literature only. Allele origin: germline. Not counted in ClinVar's aggregate classification.

Literature cited by the submitters: PubMed 30905398 (cited by OMIM).

NM_181336.4(LEMD2):c.1436C>T (p.Ser479Phe)

Gene: LEMD2 (LEM domain nuclear envelope protein 2; minus strand). Cytogenetic location: 6p21.31.
Variant type: single nucleotide variant.
Coding change: c.1436C>T on transcript NM_181336.4 (MANE Select); coding-DNA position 1436, C replaced by T.
Protein change: p.Ser479Phe; replaces serine 479 with phenylalanine.
Molecular consequence: missense variant.
Genome position (GRCh38, 1-based): chr6:33,772,704, G>A on the plus strand (C>T on the coding strand, the complement: LEMD2 is on the minus strand). VCF-style: chr6-33772704-G-A. GRCh37 (hg19) VCF-style: chr6-33740481-G-A.
Other names: c.530C>T, p.Ser177Phe (NM_001143944.1, NM_001348709.2); c.1037C>T, p.Ser346Phe (NM_001348710.2); short protein forms S177F, S346F, S479F.
Identifiers: ClinVar variation 917488 (VCV000917488.5), dbSNP rs1767330976, ClinGen allele CA363685391.
Genomic context (GRCh38, chr6:33,772,704, plus strand): 5'-GAGAAGGAAGAGGGCTTAGTCCATCTCCACACCAGCATGTCCTCTCCTGCAACGCGGTGG[G>A]ACTCCGTCTGGATCCGGGATTCGTTGGAGGCCAGGAACTCCACAGCTCGGTCCCAGACAC-3'
Protein context (NP_851853.1, residues 469-489): ASNESRIQTE[Ser479Phe]HRVAGEDMLV